The following is an entry in ClinVar:

ClinVar aggregate classification (germline): Likely benign. Review status: reviewed by expert panel (3 of 4 stars). 6 submissions from 6 submitters: Likely benign (1). 5 of the submissions do not count toward it. Last evaluated 2024-01-10.

Conditions:
Immunodeficiency 104. Also called: Severe combined immunodeficiency, autosomal recessive, T cell-negative, B cell-positive, NK cell-positive; IMMUNODEFICIENCY 104, SEVERE COMBINED; SCID, AUTOSOMAL RECESSIVE, T CELL-NEGATIVE, B CELL-POSITIVE, NK CELL-POSITIVE; Severe Combined Immune Deficiency, Autosomal Recessive, TCell -Negative, B Cell-Positive, NK Cell-Positive, IL7R-Related. Identifiers: MedGen C5676890, MONDO:0012163, OMIM 608971.

Allele frequency attached by ClinVar (database versions not stated): 1000 Genomes Project 30x 0.00016; 1000 Genomes Project 0.00020; ESP Exome Variant Server 0.00031; gnomAD 0.00042 and 0.00047; TOPMed 0.00055.
gnomAD v4.1: 177 of 1,613,132 alleles (0.011%); highest among the groups gnomAD compares: African/African-American, 0.15%; no homozygotes.

Submissions (6):

ClinGen Severe Combined Immunodeficiency Variant Curation Expert Panel, ClinGen
Classification: Likely benign for Immunodeficiency 104. Last evaluated: 2024-01-10. Review status: reviewed by expert panel. Criteria: ClinGen SCID ACMG Specifications IL7R V1.0.0. Collection method: curation. Allele origin: germline. Inheritance: Autosomal recessive inheritance.
Comment: NM_002185.5(IL7R):c.152C>T is a missense variant predicted to cause substitution of Serine by Leucine at amino acid 51 (p.Ser51Leu). The filtering allele frequency (the lower threshold of the 95% CI of 110/74978) of the c.152C>T variant in IL7R is 0.001270 for African/African American chromosomes by gnomAD v4, which is higher than the ClinGen SCID VCEP threshold (>0.00126) for BS1, and therefore meets this criterion (BS1). To our knowledge, this variant has not been reported in the literature in individuals affected with IL7R-related conditions or in functional studies. As per SCID VCEP specifications, 1 Strong criteria is enough to reach Likely Benign classification. In summary, this variant meets the criteria to be classified as a Likely Benign variant for autosomal recessive severe combined immunodeficiency due to IL7R deficiency based on the ACMG/AMP criteria applied, as specified by the ClinGen SCID VCEP: BS1 (VCEP specifications version 1).

Labcorp Genetics (formerly Invitae), Labcorp
Classification: Likely benign for Immunodeficiency 104. Last evaluated: 2026-01-24. Review status: criteria provided, single submitter. Criteria: Invitae Variant Classification Sherloc (09022015). Collection method: clinical testing. Allele origin: germline. Not counted in ClinVar's aggregate classification.

Blueprint Genetics
Classification: Uncertain significance. Last evaluated: 2024-02-20. Review status: criteria provided, single submitter. Criteria: ACMG Guidelines, 2015. Collection method: clinical testing. Allele origin: germline. Not counted in ClinVar's aggregate classification.

CeGaT Center for Human Genetics Tuebingen
Classification: Uncertain significance. Last evaluated: 2019-05-01. Review status: criteria provided, single submitter. Criteria: CeGaT Center For Human Genetics Tuebingen Variant Classification Criteria Version 2. Collection method: clinical testing. Allele origin: germline. Affected: yes. Observed: 1 variant allele. Not counted in ClinVar's aggregate classification.

Illumina Laboratory Services, Illumina
Classification: Uncertain significance for Immunodeficiency 104. Last evaluated: 2018-01-12. Review status: criteria provided, single submitter. Criteria: ICSL Variant Classification Criteria 13 December 2019. Collection method: clinical testing. Allele origin: germline. Not counted in ClinVar's aggregate classification.

ITMI
No classification provided. Condition: AllHighlyPenetrant. Last evaluated: 2013-09-19. Review status: no classification provided. Collection method: reference population. Allele origin: germline. Not counted in ClinVar's aggregate classification.
Comment: Please see associated publication for description of ethnicities

Literature cited by the submitters: PubMed 24728327 (cited by ITMI).

NM_002185.5(IL7R):c.152C>T (p.Ser51Leu)

Gene: IL7R (interleukin 7 receptor; plus strand). Cytogenetic location: 5p13.2.
Variant type: single nucleotide variant.
Coding change: c.152C>T on transcript NM_002185.5 (MANE Select); coding-DNA position 152, C replaced by T.
Protein change: p.Ser51Leu; replaces serine 51 with leucine.
Molecular consequence: missense variant. On other transcripts: non-coding transcript variant (1).
Genome position (GRCh38, 1-based): chr5:35,860,921, C>T. VCF-style: chr5-35860921-C-T. GRCh37 (hg19) VCF-style: chr5-35861023-C-T.
Other names: NM_002185.5(IL7R):c.152C>T; p.Ser51Leu; short protein forms S51L.
Identifiers: ClinVar variation 134523 (VCV000134523.59), dbSNP rs138482569, ClinGen allele CA160084.
Genomic context (GRCh38, chr5:35,860,921, plus strand): 5'-AAGATGCAGAACTGGATGACTACTCATTCTCATGCTATAGCCAGTTGGAAGTGAATGGAT[C>T]GCAGCACTCACTGACCTGTGCTTTTGAGGACCCAGATGTCAACATCACCAATCTGGAATT-3'
Protein context (NP_002176.2, residues 41-61): SCYSQLEVNG[Ser51Leu]QHSLTCAFED